The following is an entry in ClinVar:

ClinVar aggregate classification (germline): Uncertain significance. Review status: criteria provided, multiple submitters, no conflicts (2 of 4 stars). 2 submissions from 2 submitters: Uncertain significance (2). Last evaluated 2025-11-17.

Conditions:
Hereditary cancer-predisposing syndrome. Also called: Hereditary Cancer Syndrome; Neoplastic Syndromes, Hereditary; Hereditary neoplastic syndrome; Tumor predisposition. Identifiers: Orphanet 140162, MedGen C0027672, MeSH D009386, MONDO:0015356.
Ataxia-telangiectasia syndrome (AT). Also called: Cerebello-oculocutaneous telangiectasia; Immunodeficiency with ataxia telangiectasia; Ataxia-telangiectasia, complementation group E; Ataxia-telangiectasia, complementation group D; AT, COMPLEMENTATION GROUP C; ATAXIA-TELANGIECTASIA, COMPLEMENTATION GROUP A. Identifiers: Orphanet 100, MedGen C0004135, MONDO:0008840, OMIM 208900.

Allele frequency attached by ClinVar (database versions not stated): gnomAD exomes below 0.00001; TOPMed below 0.00001; gnomAD 0.00001.
gnomAD v4.1: 2 of 1,612,534 alleles (0.00012%); highest among the groups gnomAD compares: Non-Finnish European, 0.00017%; no homozygotes.

Submissions (2):

Ambry Genetics
Classification: Uncertain significance for Hereditary cancer-predisposing syndrome. Last evaluated: 2025-11-17. Review status: criteria provided, single submitter. Criteria: Ambry Variant Classification Scheme 2023. Collection method: clinical testing. Allele origin: germline.
Comment: The p.T372A variant (also known as c.1114A>G), located in coding exon 8 of the ATM gene, results from an A to G substitution at nucleotide position 1114. The threonine at codon 372 is replaced by alanine, an amino acid with similar properties. This amino acid position is not well conserved in available vertebrate species. In addition, this alteration is predicted to be tolerated by in silico analysis. Since supporting evidence is limited at this time, the clinical significance of this alteration remains unclear.

Labcorp Genetics (formerly Invitae), Labcorp
Classification: Uncertain significance for Ataxia-telangiectasia syndrome. Last evaluated: 2021-10-25. Review status: criteria provided, single submitter. Criteria: Invitae Variant Classification Sherloc (09022015). Collection method: clinical testing. Allele origin: germline.
Comment: In summary, the available evidence is currently insufficient to determine the role of this variant in disease. Therefore, it has been classified as a Variant of Uncertain Significance. This sequence change replaces threonine, which is neutral and polar, with alanine, which is neutral and non-polar, at codon 372 of the ATM protein (p.Thr372Ala). This variant is not present in population databases (gnomAD no frequency). This variant has not been reported in the literature in individuals affected with ATM-related conditions. ClinVar contains an entry for this variant (Variation ID: 822205). Advanced modeling of protein sequence and biophysical properties (such as structural, functional, and spatial information, amino acid conservation, physicochemical variation, residue mobility, and thermodynamic stability) performed at Invitae indicates that this missense variant is not expected to disrupt ATM protein function.

NM_000051.4(ATM):c.1114A>G (p.Thr372Ala)

Gene: ATM (ATM serine/threonine kinase; plus strand). Cytogenetic location: 11q22.3.
Variant type: single nucleotide variant.
Coding change: c.1114A>G on transcript NM_000051.4 (MANE Select); coding-DNA position 1114, A replaced by G.
Protein change: p.Thr372Ala; replaces threonine 372 with alanine.
Molecular consequence: missense variant.
Genome position (GRCh38, 1-based): chr11:108,248,981, A>G. VCF-style: chr11-108248981-A-G. GRCh37 (hg19) VCF-style: chr11-108119708-A-G.
Other names: c.1114A>G, p.Thr372Ala (NM_001351834.2); short protein forms T372A.
Identifiers: ClinVar variation 822205 (VCV000822205.11), dbSNP rs1591517491, ClinGen allele CA382532411.